The following is an entry in ClinVar:

NM_033028.4:r.[118_261del;118_373del]

Variant type: Haplotype.
Identifiers: ClinVar variation 266081 (VCV000266081.1).

ClinVar aggregate classification (germline): Pathogenic (0 of 4 stars; one submission).

Conditions:
Bardet-Biedl syndrome (BBS). Identifiers: Orphanet 110, MedGen C0752166, MONDO:0015229.

Submission:

Genomic Medicine Center of Excellence, King Faisal Specialist Hospital and Research Centre
Classification: Pathogenic for Bardet-Biedl syndrome. Review status: no assertion criteria provided. Collection method: research. Allele origin: germline. Affected: yes. Observed: 1 homozygote.
Comment: The mutation at the genomic level is unknown, (most likely deep intronic variant that cause the splicing variants that reveal the two cryptic splice sites). Results in two different transcripts.